The following is an entry in ClinVar:

NM_020937.4(FANCM):c.100_117del (p.Ser34_Lys39del)

Genes: FANCM (FA complementation group M; plus strand), LOC130055524 (ATAC-STARR-seq lymphoblastoid active region 8299; plus strand). Cytogenetic location: 14q21.2.
Variant type: Deletion.
Coding change: c.100_117del on transcript NM_020937.4 (MANE Select); coding-DNA positions 100 to 117, 18 bases deleted (AGCCCTGGCAGCTCCAAG).
Protein change: p.Ser34_Lys39del.
Molecular consequence: inframe deletion.
Genome position (GRCh38, 1-based): chr14:45,136,131-45,136,148, AGCCCTGGCAGCTCCAAG deleted; deleting any 18 consecutive bases within chr14:45,136,129-45,136,148 gives the same sequence; the c. name uses the placement nearest the transcript's 3' end. VCF-style (leftmost placement, unchanged base first): chr14-45136128-CAGAGCCCTGGCAGCTCCA-C. GRCh37 (hg19) VCF-style: chr14-45605331-CAGAGCCCTGGCAGCTCCA-C.
Other names: c.100_117del, p.Ser34_Lys39del (NM_001308133.2, NM_001308134.2); c.100_117del18 (NM_020937.3).
Identifiers: ClinVar variation 1314180 (VCV001314180.4), dbSNP rs1885472531, ClinGen allele CA962637645.

ClinVar aggregate classification (germline): Uncertain significance. Review status: criteria provided, single submitter (1 of 4 stars). 2 submissions from 2 submitters: Uncertain significance (1). 1 of the submissions does not count toward it. Last evaluated 2022-09-12.

Conditions:
FANCM-related disorder. Also called: FANCM-related condition.

Submissions (2):

GeneDx
Classification: Uncertain significance. Last evaluated: 2022-09-12. Review status: criteria provided, single submitter. Criteria: GeneDx Variant Classification Process June 2021. Collection method: clinical testing. Allele origin: germline. Affected: yes.
Comment: In-frame deletion of 6 amino acids in a non-repeat region; Not observed at significant frequency in large population cohorts (gnomAD); In silico analysis supports that this variant does not alter protein structure/function; Has not been previously published as pathogenic or benign to our knowledge

PreventionGenetics, part of Exact Sciences
Classification: Uncertain significance for FANCM-related condition. Last evaluated: 2024-09-08. Review status: no assertion criteria provided. Collection method: clinical testing. Allele origin: germline. Not counted in ClinVar's aggregate classification.
Comment: The FANCM c.100_117del18 variant is predicted to result in an in-frame deletion (p.Ser34_Lys39del). To our knowledge, this variant has not been reported in the literature or in a large population database, indicating this variant is rare. At this time, the clinical significance of this variant is uncertain due to the absence of conclusive functional and genetic evidence.